The following is an entry in ClinVar:

ClinVar aggregate classification (germline): Uncertain significance. Review status: criteria provided, multiple submitters, no conflicts (2 of 4 stars). 2 submissions from 2 submitters: Uncertain significance (2). Last evaluated 2025-10-23.

Conditions:
Inborn genetic diseases. Identifiers: MedGen C0950123, MeSH D030342.

Allele frequency attached by ClinVar (database versions not stated): ExAC 0.00001; gnomAD 0.00001; gnomAD exomes 0.00001; TOPMed 0.00001.
gnomAD v4.1: 9 of 1,612,364 alleles (0.00056%); highest among the groups gnomAD compares: Admixed American, 0.005%; no homozygotes.

Submissions (2):

Labcorp Genetics (formerly Invitae), Labcorp
Classification: Uncertain significance. Last evaluated: 2025-10-23. Review status: criteria provided, single submitter. Criteria: Invitae Variant Classification Sherloc (09022015). Collection method: clinical testing. Allele origin: germline.
Comment: This sequence change replaces glycine, which is neutral and non-polar, with alanine, which is neutral and non-polar, at codon 1590 of the COL4A1 protein (p.Gly1590Ala). This variant is present in population databases (rs778082936, gnomAD 0.003%). This variant has not been reported in the literature in individuals affected with COL4A1-related conditions. ClinVar contains an entry for this variant (Variation ID: 1367038). Invitae Evidence Modeling of protein sequence and biophysical properties (such as structural, functional, and spatial information, amino acid conservation, physicochemical variation, residue mobility, and thermodynamic stability) indicates that this missense variant is expected to disrupt COL4A1 protein function with a positive predictive value of 95%. In summary, the available evidence is currently insufficient to determine the role of this variant in disease. Therefore, it has been classified as a Variant of Uncertain Significance.

Ambry Genetics
Classification: Uncertain significance for Inborn genetic diseases. Last evaluated: 2023-11-13. Review status: criteria provided, single submitter. Criteria: Ambry Variant Classification Scheme 2023. Collection method: clinical testing. Allele origin: germline.

NM_001845.6(COL4A1):c.4769G>C (p.Gly1590Ala)

Gene: COL4A1 (collagen type IV alpha 1 chain; minus strand). Cytogenetic location: 13q34.
Variant type: single nucleotide variant.
Coding change: c.4769G>C on transcript NM_001845.6 (MANE Select); coding-DNA position 4769, G replaced by C.
Protein change: p.Gly1590Ala; replaces glycine 1590 with alanine.
Molecular consequence: missense variant.
Genome position (GRCh38, 1-based): chr13:110,152,493, C>G on the plus strand (G>C on the coding strand, the complement: COL4A1 is on the minus strand). VCF-style: chr13-110152493-C-G. GRCh37 (hg19) VCF-style: chr13-110804840-C-G.
Other names: c.4769G>C (NM_001845.4); short protein forms G1590A.
Identifiers: ClinVar variation 1367038 (VCV001367038.9), dbSNP rs778082936, ClinGen allele CA7046805.